The following is an entry in ClinVar:

NM_001368894.2(PAX6):c.458C>T (p.Ala153Val)

Gene: PAX6 (paired box 6; minus strand). Cytogenetic location: 11p13.
Variant type: single nucleotide variant.
Coding change: c.458C>T on transcript NM_001368894.2 (MANE Select); coding-DNA position 458, C replaced by T.
Protein change: p.Ala153Val; replaces alanine 153 with valine.
Molecular consequence: missense variant. On other transcripts: non-coding transcript variant (2).
Genome position (GRCh38, 1-based): chr11:31,800,798, G>A on the plus strand (C>T on the coding strand, the complement: PAX6 is on the minus strand). VCF-style: chr11-31800798-G-A. GRCh37 (hg19) VCF-style: chr11-31822346-G-A.
Other names: c.416C>T, p.Ala139Val (NM_000280.6, NM_001127612.3, NM_001258464.2 and 10 more transcripts); c.458C>T, p.Ala153Val (NM_001258462.3, NM_001258463.2, NM_001310158.2 and 6 more transcripts); c.8C>T, p.Ala3Val (NM_001310160.2, NM_001310161.3, NM_001368899.2 and 11 more transcripts); c.659C>T, p.Ala220Val (NM_001368910.2); c.461C>T, p.Ala154Val (NM_001368911.2); c.533C>T, p.Ala178Val (NM_001368918.2, NM_001368919.2); c.491C>T, p.Ala164Val (NM_001368920.2); c.257C>T, p.Ala86Val (NM_001368921.2, NM_001368922.2, NM_001368923.2 and 4 more transcripts); and 1 more; short protein forms A139V, A153V, A154V, A164V, A178V, A220V, A3V, A72V.
Identifiers: ClinVar variation 2630880 (VCV002630880.2), dbSNP rs2495993240, ClinGen allele CA379958244.
Genomic context (GRCh38, chr11:31,800,798, plus strand): 5'-CGGGTGCCCCAGCTTCCGGTCTGCCCGTTCAACATCCTTAGTTTATCATACATGCCGTCT[G>A]CGCCCATCTGTTGCTTTTCGCTAGCCAGGTTGCGAAGAACTCTGTTTATTGATGACACCT-3'
Protein context (NP_001355823.1, residues 143-163): NLASEKQQMG[Ala153Val]DGMYDKLRML

ClinVar aggregate classification (germline): Uncertain significance (1 of 4 stars; one submission).

Conditions:
PAX6-related disorder. Also called: PAX6-related disorders; PAX6-related condition.

Submission:

PreventionGenetics, part of Exact Sciences
Classification: Uncertain significance for PAX6-related condition. Last evaluated: 2024-11-04. Review status: criteria provided, single submitter. Criteria: ACMG Guidelines, 2015. Collection method: clinical testing. Allele origin: germline.
Comment: The PAX6 c.458C>T variant is predicted to result in the amino acid substitution p.Ala153Val. To our knowledge, this variant has not been reported in the literature or in a large population database, indicating this variant is rare. At this time, the clinical significance of this variant is uncertain due to the absence of conclusive functional and genetic evidence.